The following is an entry in ClinVar:

NM_005589.4(ALDH6A1):c.*1148C>T

Genes: ALDH6A1 (aldehyde dehydrogenase 6 family member A1; minus strand), BBOF1 (basal body orientation factor 1; plus strand). Cytogenetic location: 14q24.3.
Variant type: single nucleotide variant.
Coding change: c.*1148C>T on transcript NM_005589.4 (MANE Select); 1148 bases downstream of the stop codon, C replaced by T.
Molecular consequence: 3 prime UTR variant. On other transcripts: intron variant (1).
Genome position (GRCh38, 1-based): chr14:74,059,494, G>A on the plus strand (C>T on the coding strand, the complement: ALDH6A1 is on the minus strand). VCF-style: chr14-74059494-G-A. GRCh37 (hg19) VCF-style: chr14-74526197-G-A.
Other names: c.*1148C>T (NM_001278593.2, NM_001278594.2); c.1578+2236G>A (NM_025057.3).
Identifiers: ClinVar variation 888074 (VCV000888074.5), dbSNP rs4646865, ClinGen allele CA15803740.

ClinVar aggregate classification (germline): Benign. Review status: criteria provided, multiple submitters, no conflicts (2 of 4 stars). 2 submissions from 2 submitters: Benign (2). Last evaluated 2018-01-13.

Conditions:
Methylmalonate semialdehyde dehydrogenase deficiency (MMSDHD). Also called: MMSDH DEFICIENCY. Identifiers: Orphanet 289307, MedGen C3279840, MONDO:0013579, OMIM 614105.

Allele frequency attached by ClinVar (database versions not stated): gnomAD 0.23441 and 0.23986; TOPMed 0.24342; gnomAD exomes 0.24557; 1000 Genomes Project 0.30052; 1000 Genomes Project 30x 0.30137.

Submissions (2):

Illumina Laboratory Services, Illumina
Classification: Benign for Methylmalonate semialdehyde dehydrogenase deficiency. Last evaluated: 2018-01-13. Review status: criteria provided, single submitter. Criteria: ICSL Variant Classification Criteria 13 December 2019. Collection method: clinical testing. Allele origin: germline.
Comment: This variant was observed in the ICSL laboratory as part of a predisposition screen in an ostensibly healthy population. It had not been previously curated by ICSL or reported in the Human Gene Mutation Database (HGMD: prior to June 1st, 2018), and was therefore a candidate for classification through an automated scoring system. Utilizing variant allele frequency, disease prevalence and penetrance estimates, and inheritance mode, an automated score was calculated to assess if this variant is too frequent to cause the disease. Based on the score and internal cut-off values, a variant classified as benign is not then subjected to further curation. The score for this variant resulted in a classification of benign for this disease.

Breakthrough Genomics
Classification: Benign. Review status: criteria provided, single submitter. Criteria: ACMG Guidelines, 2015. Collection method: not provided. Allele origin: germline. Inheritance: Autosomal recessive inheritance. Affected: yes.